The following is an entry in ClinVar:

NM_003737.4(DCHS1):c.2851C>T (p.Arg951Trp)

Gene: DCHS1 (dachsous cadherin-related 1; minus strand). Cytogenetic location: 11p15.4.
Variant type: single nucleotide variant.
Coding change: c.2851C>T on transcript NM_003737.4 (MANE Select); coding-DNA position 2851, C replaced by T.
Protein change: p.Arg951Trp; replaces arginine 951 with tryptophan.
Molecular consequence: missense variant.
Genome position (GRCh38, 1-based): chr11:6,632,661, G>A on the plus strand (C>T on the coding strand, the complement: DCHS1 is on the minus strand). VCF-style: chr11-6632661-G-A. GRCh37 (hg19) VCF-style: chr11-6653892-G-A.
Other names: c.2851C>T (NM_003737.2); short protein forms R951W.
Identifiers: ClinVar variation 1304670 (VCV001304670.10), dbSNP rs748550898, ClinGen allele CA5860643.

ClinVar aggregate classification (germline): Uncertain significance. Review status: criteria provided, multiple submitters, no conflicts (2 of 4 stars). 3 submissions from 3 submitters: Uncertain significance (3). Last evaluated 2026-01-05.

Conditions:
Inborn genetic diseases. Identifiers: MedGen C0950123, MeSH D030342.

Allele frequency attached by ClinVar (database versions not stated): gnomAD 0.00003 and 0.00004; TOPMed 0.00003; gnomAD exomes 0.00007 and 0.00010; ExAC 0.00022.
gnomAD v4.1: 104 of 1,571,164 alleles (0.0066%); highest among the groups gnomAD compares: South Asian, 0.044%; no homozygotes.

Submissions (3):

Labcorp Genetics (formerly Invitae), Labcorp
Classification: Uncertain significance. Last evaluated: 2026-01-05. Review status: criteria provided, single submitter. Criteria: Invitae Variant Classification Sherloc (09022015). Collection method: clinical testing. Allele origin: germline.
Comment: This sequence change replaces arginine, which is basic and polar, with tryptophan, which is neutral and slightly polar, at codon 951 of the DCHS1 protein (p.Arg951Trp). The frequency data for this variant in the population databases is considered unreliable, as metrics indicate poor data quality at this position in the gnomAD database. This variant has not been reported in the literature in individuals affected with DCHS1-related conditions. ClinVar contains an entry for this variant (Variation ID: 1304670). Invitae Evidence Modeling of protein sequence and biophysical properties (such as structural, functional, and spatial information, amino acid conservation, physicochemical variation, residue mobility, and thermodynamic stability) indicates that this missense variant is not expected to disrupt DCHS1 protein function with a negative predictive value of 80%. In summary, the available evidence is currently insufficient to determine the role of this variant in disease. Therefore, it has been classified as a Variant of Uncertain Significance.

Ambry Genetics
Classification: Uncertain significance for Inborn genetic diseases. Last evaluated: 2022-07-26. Review status: criteria provided, single submitter. Criteria: Ambry Variant Classification Scheme 2023. Collection method: clinical testing. Allele origin: germline.

GeneDx
Classification: Uncertain significance. Last evaluated: 2020-10-22. Review status: criteria provided, single submitter. Criteria: GeneDx Variant Classification Process June 2021. Collection method: clinical testing. Allele origin: germline. Affected: yes.
Comment: In silico analysis supports that this missense variant has a deleterious effect on protein structure/function; Has not been previously published as pathogenic or benign to our knowledge